The following is an entry in ClinVar:

ClinVar aggregate classification (germline): Uncertain significance (1 of 4 stars; one submission).

Allele frequency attached by ClinVar (database versions not stated): TOPMed 0.00002.
gnomAD v4.1: 5 of 1,614,180 alleles (0.00031%); highest among the groups gnomAD compares: Admixed American, 0.0017%; no homozygotes.

Submission:

Labcorp Genetics (formerly Invitae), Labcorp
Classification: Uncertain significance. Last evaluated: 2024-11-04. Review status: criteria provided, single submitter. Criteria: Invitae Variant Classification Sherloc (09022015). Collection method: clinical testing. Allele origin: germline.
Comment: This sequence change replaces serine, which is neutral and polar, with phenylalanine, which is neutral and non-polar, at codon 231 of the CHAMP1 protein (p.Ser231Phe). This variant is not present in population databases (gnomAD no frequency). This variant has not been reported in the literature in individuals affected with CHAMP1-related conditions. ClinVar contains an entry for this variant (Variation ID: 1481240). An algorithm developed to predict the effect of missense changes on protein structure and function (PolyPhen-2) suggests that this variant is likely to be disruptive. In summary, the available evidence is currently insufficient to determine the role of this variant in disease. Therefore, it has been classified as a Variant of Uncertain Significance.

NM_032436.4(CHAMP1):c.692C>T (p.Ser231Phe)

Gene: CHAMP1 (chromosome alignment maintaining phosphoprotein 1; plus strand). Cytogenetic location: 13q34.
Variant type: single nucleotide variant.
Coding change: c.692C>T on transcript NM_032436.4 (MANE Select); coding-DNA position 692, C replaced by T.
Protein change: p.Ser231Phe; replaces serine 231 with phenylalanine.
Molecular consequence: missense variant.
Genome position (GRCh38, 1-based): chr13:114,324,534, C>T. VCF-style: chr13-114324534-C-T. GRCh37 (hg19) VCF-style: chr13-115090009-C-T.
Other names: c.692C>T, p.Ser231Phe (NM_001164144.3, NM_001164145.3); short protein forms S231F.
Identifiers: ClinVar variation 1481240 (VCV001481240.8), dbSNP rs782179967, ClinGen allele CA388846927.